The following is an entry in ClinVar:

NM_181303.2(NLGN3):c.26C>T (p.Ser9Leu)

Gene: NLGN3 (neuroligin 3; plus strand). Cytogenetic location: Xq13.1.
Variant type: single nucleotide variant.
Coding change: c.26C>T on transcript NM_181303.2 (MANE Select); coding-DNA position 26, C replaced by T.
Protein change: p.Ser9Leu; replaces serine 9 with leucine.
Molecular consequence: missense variant. On other transcripts: intron variant (1).
Genome position (GRCh38, 1-based): chrX:71,147,775, C>T. VCF-style: chrX-71147775-C-T. GRCh37 (hg19) VCF-style: chrX-70367625-C-T.
Other names: c.26C>T, p.Ser9Leu (NM_001166660.2, NM_018977.4); c.-38-288C>T (NM_001321276.2); short protein forms S9L.
Identifiers: ClinVar variation 929068 (VCV000929068.1), dbSNP rs777601149, ClinGen allele CA330989496.
Genomic context (GRCh38, chrX:71,147,775, plus strand): 5'-AGTCTGCCTCTCCTGCCAGTCCCCCTGCCCGGAACATGTGGCTGCGGCTTGGCCCGCCCT[C>T]GCTGTCCCTGAGCCCCAAGCCCACGGTTGGCAGGAGCCTGTGCCTCACCCTGTGGTTCCT-3'
Protein context (NP_851820.1, residues 1-19): MWLRLGPP[Ser9Leu]LSLSPKPTVG

ClinVar aggregate classification (germline): Uncertain significance (1 of 4 stars; one submission).

Allele frequency attached by ClinVar (database versions not stated): gnomAD exomes below 0.00001; gnomAD 0.00003 and 0.00004; TOPMed 0.00003; 1000 Genomes Project 30x 0.00021; 1000 Genomes Project 0.00026.
gnomAD v4.1: 9 of 1,207,227 alleles (0.00075%); highest among the groups gnomAD compares: African/African-American, 0.0052%; no homozygotes.

Submission:

Women's Health and Genetics/Laboratory Corporation of America, LabCorp
Classification: Uncertain significance. Last evaluated: 2019-07-29. Review status: criteria provided, single submitter. Criteria: LabCorp Variant Classification Summary - May 2015. Collection method: clinical testing. Allele origin: germline.
Comment: Variant summary: NLGN3 c.26C>T (p.Ser9Leu) results in a non-conservative amino acid change in the encoded protein sequence. Four of five in-silico tools predict a benign effect of the variant on protein function. The variant was absent in 171937 control chromosomes. The available data on variant occurrences in the general population are insufficient to allow any conclusion about variant significance. To our knowledge, c.26C>T has not been found in individuals affected with Autism Susceptibility and no experimental evidence demonstrating an impact on protein function has been reported. No clinical diagnostic laboratories have submitted clinical-significance assessments for this variant to ClinVar after 2014. Based on the evidence outlined above, the variant was classified as uncertain significance.

Literature cited by the submitters: PubMed 24406863.